The following is an entry in ClinVar:

ClinVar aggregate classification (germline): Conflicting classifications of pathogenicity. Review status: criteria provided, conflicting classifications (1 of 4 stars). 5 submissions from 5 submitters: Uncertain significance (1); Benign (3); Likely benign (1). Last evaluated 2026-01-18.

Conditions:
Chudley-McCullough syndrome (CMCS). Also called: Deafness, autosomal recessive 82; DEAFNESS, SENSORINEURAL, WITH PARTIAL AGENESIS OF THE CORPUS CALLOSUM AND ARACHNOID CYSTS. Identifiers: Orphanet 314597, MedGen C1858695, MONDO:0011411, OMIM 604213.

Allele frequency attached by ClinVar (database versions not stated): ESP Exome Variant Server 0.00015; gnomAD exomes 0.00044 and 0.00173; gnomAD 0.00061 and 0.00083; TOPMed 0.00099; ExAC 0.00166; 1000 Genomes Project 30x 0.00500; 1000 Genomes Project 0.00539.
gnomAD v4.1: 831 of 1,612,258 alleles (0.052%); highest among the groups gnomAD compares: East Asian, 1.3%; 6 homozygotes.

Submissions (5):

Labcorp Genetics (formerly Invitae), Labcorp
Classification: Benign. Last evaluated: 2026-01-18. Review status: criteria provided, single submitter. Criteria: Invitae Variant Classification Sherloc (09022015). Collection method: clinical testing. Allele origin: germline.

Blueprint Genetics
Classification: Likely benign. Last evaluated: 2024-10-22. Review status: criteria provided, single submitter. Criteria: ACMG Guidelines, 2015. Collection method: clinical testing. Allele origin: germline.

GeneDx
Classification: Benign. Last evaluated: 2019-11-27. Review status: criteria provided, single submitter. Criteria: GeneDx Variant Classification Process June 2021. Collection method: clinical testing. Allele origin: germline. Affected: yes.

Laboratory for Molecular Medicine, Mass General Brigham Personalized Medicine
Classification: Benign. Last evaluated: 2018-09-12. Review status: criteria provided, single submitter. Criteria: LMM Criteria. Collection method: clinical testing. Allele origin: germline. Observed: 1 variant allele.
Comment: The p.Arg406Trp variant in GPSM2 is classified as benign because it has been ide ntified in 2.0% (387/18868) of East Asian chromosomes, including 3 homozygotes, by the Genome Aggregation Database (gnomAD). A CMG/AMP Criteria applied: BA1.

Illumina Laboratory Services, Illumina
Classification: Uncertain significance for Chudley-McCullough syndrome. Last evaluated: 2017-04-27. Review status: criteria provided, single submitter. Criteria: ICSL Variant Classification Criteria 13 December 2019. Collection method: clinical testing. Allele origin: germline.

NM_013296.5(GPSM2):c.1216C>T (p.Arg406Trp)

Gene: GPSM2 (G protein signaling modulator 2; plus strand). Cytogenetic location: 1p13.3.
Variant type: single nucleotide variant.
Coding change: c.1216C>T on transcript NM_013296.5 (MANE Select); coding-DNA position 1216, C replaced by T.
Protein change: p.Arg406Trp; replaces arginine 406 with tryptophan.
Molecular consequence: missense variant.
Genome position (GRCh38, 1-based): chr1:108,914,361, C>T. VCF-style: chr1-108914361-C-T. GRCh37 (hg19) VCF-style: chr1-109456983-C-T.
Other names: c.1216C>T, p.Arg406Trp (NM_001321038.2, NM_001321039.3); short protein forms R406W.
Identifiers: ClinVar variation 506755 (VCV000506755.20), dbSNP rs141562079, ClinGen allele CA983002.